The following is an entry in ClinVar:

NM_001375.3(DNASE2):c.533A>G (p.Tyr178Cys)

Gene: DNASE2 (deoxyribonuclease 2, lysosomal; minus strand). Cytogenetic location: 19p13.13.
Variant type: single nucleotide variant.
Coding change: c.533A>G on transcript NM_001375.3 (MANE Select); coding-DNA position 533, A replaced by G.
Protein change: p.Tyr178Cys; replaces tyrosine 178 with cysteine.
Molecular consequence: missense variant.
Genome position (GRCh38, 1-based): chr19:12,878,558, T>C on the plus strand (A>G on the coding strand, the complement: DNASE2 is on the minus strand). VCF-style: chr19-12878558-T-C. GRCh37 (hg19) VCF-style: chr19-12989372-T-C.
Other names: short protein forms Y178C.
Identifiers: ClinVar variation 2037004 (VCV002037004.4), dbSNP rs2512549493, ClinGen allele CA404299208.

ClinVar aggregate classification (germline): Uncertain significance (1 of 4 stars; one submission).

Allele frequency attached by ClinVar (database versions not stated): gnomAD exomes below 0.00001.

Submission:

Labcorp Genetics (formerly Invitae), Labcorp
Classification: Uncertain significance. Last evaluated: 2022-07-12. Review status: criteria provided, single submitter. Criteria: Invitae Variant Classification Sherloc (09022015). Collection method: clinical testing. Allele origin: germline.
Comment: In summary, the available evidence is currently insufficient to determine the role of this variant in disease. Therefore, it has been classified as a Variant of Uncertain Significance. This sequence change replaces tyrosine, which is neutral and polar, with cysteine, which is neutral and slightly polar, at codon 178 of the DNASE2 protein (p.Tyr178Cys). This variant is not present in population databases (gnomAD no frequency). This variant has not been reported in the literature in individuals affected with DNASE2-related conditions. Algorithms developed to predict the effect of missense changes on protein structure and function are either unavailable or do not agree on the potential impact of this missense change (SIFT: "Tolerated"; PolyPhen-2: "Probably Damaging"; Align-GVGD: "Class C15").